The following is an entry in ClinVar:

NM_012454.4(TIAM2):c.1518G>A (p.Val506=)

Gene: TIAM2 (TIAM Rac1 associated GEF 2; plus strand). Cytogenetic location: 6q25.2.
Variant type: single nucleotide variant.
Coding change: c.1518G>A on transcript NM_012454.4 (MANE Select); coding-DNA position 1518, G replaced by A.
Protein change: p.Val506=; no amino-acid change (valine 506 retained).
Molecular consequence: synonymous variant.
Genome position (GRCh38, 1-based): chr6:155,137,500, G>A. VCF-style: chr6-155137500-G-A. GRCh37 (hg19) VCF-style: chr6-155458634-G-A.
Other names: c.1518G>A, p.Val506= (NM_001384546.1, NM_001384547.1).
Identifiers: ClinVar variation 2657044 (VCV002657044.24), dbSNP rs767851710, ClinGen allele CA4064154.

ClinVar aggregate classification (germline): Likely benign (1 of 4 stars; one submission).

Allele frequency attached by ClinVar (database versions not stated): TOPMed 0.00006; gnomAD 0.00008; gnomAD exomes 0.00009; ExAC 0.00013; 1000 Genomes Project 30x 0.00031.
gnomAD v4.1: 150 of 1,614,172 alleles (0.0093%); highest among the groups gnomAD compares: South Asian, 0.064%; 2 homozygotes.

Submission:

CeGaT Center for Human Genetics Tuebingen
Classification: Likely benign. Last evaluated: 2022-09-01. Review status: criteria provided, single submitter. Criteria: CeGaT Center For Human Genetics Tuebingen Variant Classification Criteria Version 2. Collection method: clinical testing. Allele origin: germline. Affected: yes. Observed: 1 variant allele.
Comment: TIAM2: BP4